The following is an entry in ClinVar:

NM_014806.5(RUSC2):c.2035C>T (p.Pro679Ser)

Gene: RUSC2 (RUN and SH3 domain containing 2; plus strand). Cytogenetic location: 9p13.3.
Variant type: single nucleotide variant.
Coding change: c.2035C>T on transcript NM_014806.5 (MANE Select); coding-DNA position 2035, C replaced by T.
Protein change: p.Pro679Ser; replaces proline 679 with serine.
Molecular consequence: missense variant. On other transcripts: 5 prime UTR variant (1), non-coding transcript variant (1).
Genome position (GRCh38, 1-based): chr9:35,555,080, C>T. VCF-style: chr9-35555080-C-T. GRCh37 (hg19) VCF-style: chr9-35555077-C-T.
Other names: c.2035C>T, p.Pro679Ser (NM_001135999.2); c.-600C>T (NM_001330740.2); short protein forms P679S.
Identifiers: ClinVar variation 1903481 (VCV001903481.2), dbSNP rs1406802824, ClinGen allele CA373339189.

ClinVar aggregate classification (germline): Uncertain significance (1 of 4 stars; one submission).

Submission:

Labcorp Genetics (formerly Invitae), Labcorp
Classification: Uncertain significance. Last evaluated: 2022-05-17. Review status: criteria provided, single submitter. Criteria: Invitae Variant Classification Sherloc (09022015). Collection method: clinical testing. Allele origin: germline.
Comment: This sequence change replaces proline, which is neutral and non-polar, with serine, which is neutral and polar, at codon 679 of the RUSC2 protein (p.Pro679Ser). This variant is not present in population databases (gnomAD no frequency). This variant has not been reported in the literature in individuals affected with RUSC2-related conditions. Algorithms developed to predict the effect of missense changes on protein structure and function are either unavailable or do not agree on the potential impact of this missense change (SIFT: "Deleterious"; PolyPhen-2: "Benign"; Align-GVGD: "Class C0"). In summary, the available evidence is currently insufficient to determine the role of this variant in disease. Therefore, it has been classified as a Variant of Uncertain Significance.